The following is an entry in ClinVar:

NM_001744.6(CAMK4):c.676T>C (p.Ser226Pro)

Gene: CAMK4 (calcium/calmodulin dependent protein kinase IV; plus strand). Cytogenetic location: 5q22.1.
Variant type: single nucleotide variant.
Coding change: c.676T>C on transcript NM_001744.6 (MANE Select); coding-DNA position 676, T replaced by C.
Protein change: p.Ser226Pro; replaces serine 226 with proline.
Molecular consequence: missense variant.
Genome position (GRCh38, 1-based): chr5:111,473,361, T>C. VCF-style: chr5-111473361-T-C. GRCh37 (hg19) VCF-style: chr5-110809059-T-C.
Other names: c.676T>C, p.Ser226Pro (NM_001323374.2, NM_001323375.2); c.85T>C, p.Ser29Pro (NM_001323376.2, NM_001323377.2); short protein forms S226P, S29P.
Identifiers: ClinVar variation 3730934 (VCV003730934.2).
Genomic context (GRCh38, chr5:111,473,361, plus strand): 5'-TTTTCTGCAGCACCTGAAATTCTTAGAGGTTGTGCCTATGGACCTGAGGTGGACATGTGG[T>C]CTGTAGGAATAATCACCTACATCTTGTAAGTGAAGAAAAGCAATATTTATGTAAACTATT-3'
Protein context (NP_001735.1, residues 216-236): CAYGPEVDMW[Ser226Pro]VGIITYILLC

ClinVar aggregate classification (germline): Uncertain significance (1 of 4 stars; one submission).

Submission:

GeneDx
Classification: Uncertain significance. Last evaluated: 2026-01-26. Review status: criteria provided, single submitter. Criteria: GeneDx Variant Classification Process June 2021. Collection method: clinical testing. Allele origin: germline.
Comment: Not observed at significant frequency in large population cohorts (gnomAD); In silico analysis supports that this missense variant has a deleterious effect on protein structure/function; Has not been previously published as pathogenic or benign to our knowledge